The following is an entry in ClinVar:

NM_024675.4(PALB2):c.2603G>A (p.Cys868Tyr)

Gene: PALB2 (partner and localizer of BRCA2; minus strand). Cytogenetic location: 16p12.2.
Variant type: single nucleotide variant.
Coding change: c.2603G>A on transcript NM_024675.4 (MANE Select); coding-DNA position 2603, G replaced by A.
Protein change: p.Cys868Tyr; replaces cysteine 868 with tyrosine.
Molecular consequence: missense variant.
Genome position (GRCh38, 1-based): chr16:23,626,381, C>T on the plus strand (G>A on the coding strand, the complement: PALB2 is on the minus strand). VCF-style: chr16-23626381-C-T. GRCh37 (hg19) VCF-style: chr16-23637702-C-T.
Other names: short protein forms C868Y.
Identifiers: ClinVar variation 530091 (VCV000530091.16), dbSNP rs772398814, ClinGen allele CA7963515.

ClinVar aggregate classification (germline): Uncertain significance. Review status: criteria provided, multiple submitters, no conflicts (2 of 4 stars). 3 submissions from 3 submitters: Uncertain significance (3). Last evaluated 2025-10-13.

Conditions:
Hereditary cancer-predisposing syndrome. Also called: Hereditary neoplastic syndrome; Neoplastic Syndromes, Hereditary; Hereditary Cancer Syndrome; Tumor predisposition. Identifiers: Orphanet 140162, MedGen C0027672, MeSH D009386, MONDO:0015356.
Familial cancer of breast. Also called: BREAST CANCER, FAMILIAL; Hereditary breast cancer; hereditary breast carcinoma. Identifiers: Orphanet 227535, MedGen C0346153, MONDO:0016419, OMIM 114480. Disease mechanism: loss of function.

Allele frequency attached by ClinVar (database versions not stated): gnomAD exomes below 0.00001; ExAC 0.00001; gnomAD 0.00001; TOPMed 0.00001.
gnomAD v4.1: 7 of 1,614,040 alleles (0.00043%); highest among the groups gnomAD compares: Non-Finnish European, 0.00059%; no homozygotes.

Submissions (3):

Labcorp Genetics (formerly Invitae), Labcorp
Classification: Uncertain significance for Familial cancer of breast. Last evaluated: 2025-10-13. Review status: criteria provided, single submitter. Criteria: Invitae Variant Classification Sherloc (09022015). Collection method: clinical testing. Allele origin: germline.
Comment: This sequence change replaces cysteine, which is neutral and slightly polar, with tyrosine, which is neutral and polar, at codon 868 of the PALB2 protein (p.Cys868Tyr). This variant is present in population databases (rs772398814, gnomAD 0.0009%). This variant has not been reported in the literature in individuals affected with PALB2-related conditions. ClinVar contains an entry for this variant (Variation ID: 530091). Invitae Evidence Modeling of protein sequence and biophysical properties (such as structural, functional, and spatial information, amino acid conservation, physicochemical variation, residue mobility, and thermodynamic stability) indicates that this missense variant is expected to disrupt PALB2 protein function with a positive predictive value of 80%. In summary, the available evidence is currently insufficient to determine the role of this variant in disease. Therefore, it has been classified as a Variant of Uncertain Significance.

Ambry Genetics
Classification: Uncertain significance for Hereditary cancer-predisposing syndrome. Last evaluated: 2024-05-22. Review status: criteria provided, single submitter. Criteria: Ambry Variant Classification Scheme 2023. Collection method: clinical testing. Allele origin: germline.
Comment: The p.C868Y variant (also known as c.2603G>A), located in coding exon 7 of the PALB2 gene, results from a G to A substitution at nucleotide position 2603. The cysteine at codon 868 is replaced by tyrosine, an amino acid with highly dissimilar properties. This amino acid position is highly conserved in available vertebrate species. In addition, the in silico prediction for this alteration is inconclusive. Based on the available evidence, the clinical significance of this variant remains unclear.

Baylor Genetics
Classification: Uncertain significance for Familial cancer of breast. Last evaluated: 2024-01-22. Review status: criteria provided, single submitter. Criteria: ACMG Guidelines, 2015. Collection method: clinical testing. Allele origin: unknown.